The following is an entry in ClinVar:

NM_000091.5(COL4A3):c.520G>A (p.Gly174Arg)

Genes: COL4A3 (collagen type IV alpha 3 chain; plus strand), MFF-DT (MFF divergent transcript; minus strand). Cytogenetic location: 2q36.3.
Variant type: single nucleotide variant.
Coding change: c.520G>A on transcript NM_000091.5 (MANE Select); coding-DNA position 520, G replaced by A.
Protein change: p.Gly174Arg; replaces glycine 174 with arginine.
Molecular consequence: missense variant.
Genome position (GRCh38, 1-based): chr2:227,248,494, G>A. VCF-style: chr2-227248494-G-A. GRCh37 (hg19) VCF-style: chr2-228113210-G-A.
Other names: short protein forms G174R.
Identifiers: ClinVar variation 447175 (VCV000447175.17), dbSNP rs1014839148, ClinGen allele CA66617434.

ClinVar aggregate classification (germline): Conflicting classifications of pathogenicity. Review status: criteria provided, conflicting classifications (1 of 4 stars). 10 submissions from 10 submitters: Pathogenic (1); Likely pathogenic (6); Uncertain significance (3). Last evaluated 2026-06-11.

Conditions:
Alport syndrome 3b, autosomal recessive. Identifiers: MedGen C5882699, MONDO:0957811, OMIM 620536.
Hematuria, benign familial, 2 (BFH2). Identifiers: MedGen C5830421, MONDO:0958186, OMIM 620320.
Autosomal dominant Alport syndrome (ATS3A). Also called: Alport syndrome dominant type; Renal failure and sensorineural hearing loss; ALPORT SYNDROME 3A, AUTOSOMAL DOMINANT. Identifiers: Orphanet 63, Orphanet 88918, MedGen C5882663, MONDO:0007086, OMIM 104200.
COL4A3-related disorder. Also called: COL4A3-Related Disorders; COL4A3-related condition.
Autosomal recessive Alport syndrome (ATS2). Also called: Alport syndrome type 2; COL4A4 Alport Syndrome and Thin Basement Membrane Nephropathy; ALPORT SYNDROME 2, AUTOSOMAL RECESSIVE; COL4A3-Related Nephropathy. Identifiers: Orphanet 63, Orphanet 88919, MedGen C4746745, MONDO:0008762, OMIM 203780.
Hematuria. Identifiers: MedGen C0018965, HP:0000790.

Allele frequency attached by ClinVar (database versions not stated): gnomAD exomes below 0.00001; gnomAD 0.00001; TOPMed 0.00002.
gnomAD v4.1: 13 of 1,613,190 alleles (0.00081%); highest among the groups gnomAD compares: African/African-American, 0.0067%; no homozygotes.

Submissions (10):

PreventionGenetics, part of Exact Sciences
Classification: Likely pathogenic for COL4A3-related condition. Last evaluated: 2026-06-11. Review status: criteria provided, single submitter. Criteria: ACMG Guidelines, 2015. Collection method: clinical testing. Allele origin: germline.
Comment: The COL4A3 c.520G>A variant is predicted to result in the amino acid substitution p.Gly174Arg. This variant has been documented along with a second variant in COL4A3 in a patient with autosomal recessive Alport syndrome (Supplementary Table 1 in Zhou et al. 2023. PubMed ID: 37097554). This variant is reported in 0.0041% of alleles in individuals of African descent in gnomAD. The p.Gly174 residue is located in the conserved triple helical domain, where substitutions of the glycine residues are usually pathogenic (UniProt residues 43-1438, Hudson et al. 1993. PubMed ID: 8253711; Nozu et al. 2001. [Update 2025]. PubMed ID: 20301386). This variant is interpreted as likely pathogenic for both autosomal recessive and dominant COL4A3-related Alport syndrome spectrum diseases.

Genetics Laboratory, Great Ormond Street Hospital NHS Foundation Trust, North Thames Genomic Laboratory Hub
Classification: Likely pathogenic for Haematuria. Last evaluated: 2026-03-17. Review status: criteria provided, single submitter. Criteria: ACGS Best Practice Guidelines for Variant Classification in Rare Disease 2024 v1.2. Collection method: clinical testing. Allele origin: germline. Affected: yes.
Comment: PS4_moderate, PM2_supporting, PP3_supporting, PM1_strong

GeneDx
Classification: Uncertain significance. Last evaluated: 2025-10-08. Review status: criteria provided, single submitter. Criteria: GeneDx Variant Classification Process June 2021. Collection method: clinical testing. Allele origin: germline.
Comment: Reported in two individuals belonging to the same family in published literature (PMID: 35419377); clinical information is limited; Not observed at significant frequency in large population cohorts (gnomAD); In silico analysis supports that this missense variant has a deleterious effect on protein structure/function; Affects a glycine residue in a Gly-X-Y motif in the triple helical region of the COL4A3 gene; This variant is associated with the following publications: (PMID: 37097554, 39810285, 35419377)

Labcorp Genetics (formerly Invitae), Labcorp
Classification: Uncertain significance. Last evaluated: 2025-10-01. Review status: criteria provided, single submitter. Criteria: Invitae Variant Classification Sherloc (09022015). Collection method: clinical testing. Allele origin: germline.
Comment: This sequence change replaces glycine, which is neutral and non-polar, with arginine, which is basic and polar, at codon 174 of the COL4A3 protein (p.Gly174Arg). This variant is present in population databases (no rsID available, gnomAD 0.004%). This missense change has been observed in individuals with clinical features of Alport syndrome (PMID: 37097554, 40806767; internal data). ClinVar contains an entry for this variant (Variation ID: 447175). Invitae Evidence Modeling of protein sequence and biophysical properties (such as structural, functional, and spatial information, amino acid conservation, physicochemical variation, residue mobility, and thermodynamic stability) has been performed for this missense variant. However, the output from this modeling did not meet the statistical confidence thresholds required to predict the impact of this variant on COL4A3 protein function. This variant disrupts the p.Gly174 amino acid residue in COL4A3. Other variant(s) that disrupt this residue have been observed in individuals with COL4A3-related conditions (internal data), which suggests that this may be a clinically significant amino acid residue. In summary, the available evidence is currently insufficient to determine the role of this variant in disease. Therefore, it has been classified as a Variant of Uncertain Significance.

3billion
Classification: Likely pathogenic for Alport syndrome 3b, autosomal recessive. Last evaluated: 2024-06-28. Review status: criteria provided, single submitter. Criteria: ACMG Guidelines, 2015. Collection method: clinical testing. Allele origin: germline. Affected: yes.
Comment: The variant is observed at an extremely low frequency in the gnomAD v4.0.0 dataset (total allele frequency: <0.001%). Predicted Consequence/Location: The variant is located in a mutational hot spot and/or well-established functional domain in which established pathogenic variants have been reported (PMID: 27627812, 30311386). In silico tool predictions suggest damaging effect of the variant on gene or gene product [REVEL: 0.96 (>=0.6, sensitivity 0.68 and specificity 0.92)]. The same nucleotide change resulting in the same amino acid change has been previously reported to be associated with COL4A3 related disorder (ClinVar ID: VCV000447175 /PMID: 37097554).A different missense change at the same codon (p.Gly174Trp) has been reported to be associated with COL4A3 related disorder (ClinVar ID: VCV001328043). Therefore, this variant is classified as Likely pathogenic according to the recommendation of ACMG/AMP guideline.

Fulgent Genetics
Classification: Likely pathogenic for Autosomal dominant Alport syndrome; Hematuria, benign familial, 2; Alport syndrome 3b, autosomal recessive. Last evaluated: 2024-05-11. Review status: criteria provided, single submitter. Criteria: ACMG Guidelines, 2015. Collection method: clinical testing. Allele origin: germline.

CENTOGENE GmbH and LLC - Guiding Precision Medicine
Classification: Uncertain significance for Autosomal dominant Alport syndrome. Last evaluated: 2022-02-21. Review status: criteria provided, single submitter. Criteria: ACMG Guidelines, 2015. Collection method: clinical testing. Allele origin: germline. Affected: yes.

Revvity Omics, Revvity
Classification: Likely pathogenic. Last evaluated: 2022-01-25. Review status: criteria provided, single submitter. Criteria: ACMG Guidelines, 2015. Collection method: clinical testing. Allele origin: germline.

Women's Health and Genetics/Laboratory Corporation of America, LabCorp
Classification: Likely pathogenic for Autosomal recessive Alport syndrome. Last evaluated: 2021-12-14. Review status: criteria provided, single submitter. Criteria: LabCorp Variant Classification Summary - May 2015. Collection method: clinical testing. Allele origin: germline.
Comment: Variant summary: COL4A3 c.520G>A (p.Gly174Arg) results in a non-conservative amino acid change located in the Collagen triple helix repeat (IPR008160) of the encoded protein sequence. Five of five in-silico tools predict a damaging effect of the variant on protein function. The variant allele was found at a frequency of 4e-06 in 249326 control chromosomes (gnomAD). To our knowledge, no occurrence of c.520G>A in individuals affected with Alport Syndrome, Autosomal Recessive and no experimental evidence demonstrating its impact on protein function have been reported. Two ClinVar submitters (evaluation after 2014) cite this variant and another variant leading to p.Gly174Arg in COL4A3 gene (Variation IDs: 447175, 829842) as pathogenic/likely pathogenic. This variant affects a critical Glycine residue within the Gly-Xaa-Yaa sequence, as described in guidelines released recently from a group of Alport syndrome specialists (Savige_2021), and is therefore expected to distort and disrupt the triple helix formation between the alpha3-alpha4-alpha5 chains. The amino acid sequences of these chains are each highly conserved in different species, and also between the individual alpha5, alpha3 and alpha4 chains. Using this logic, a variant causing the same amino acid change in COL4A5 gene (c.520G>C, p.Gly174Arg) has been reported in patients and is cited in HGMD and LOVD as pathogenic and disease-associated, providing supporting evidence for a pathogenic role of this COL4A3 variant. Based on the evidence outlined above, the variant was classified as likely pathogenic.

Athena Diagnostics
Classification: Pathogenic. Last evaluated: 2016-10-18. Review status: criteria provided, single submitter. Criteria: Athena Diagnostics Criteria. Collection method: clinical testing. Allele origin: germline.

Literature cited by the submitters: PubMed 37097554 (cited by Labcorp Genetics (formerly Invitae), Labcorp); PubMed 40806767 (cited by Labcorp Genetics (formerly Invitae), Labcorp); PubMed 33854215 (cited by Women's Health and Genetics/Laboratory Corporation of America, LabCorp).